The following is an entry in ClinVar:

ClinVar aggregate classification (germline): Likely benign. Review status: criteria provided, multiple submitters, no conflicts (2 of 4 stars). 5 submissions from 5 submitters: Likely benign (4). 1 of the submissions does not count toward it. Last evaluated 2025-11-14.

Conditions:
Cardiovascular phenotype. Identifiers: MedGen CN230736.
MYPN-related disorder. Also called: MYPN-related condition.
Dilated cardiomyopathy 1KK (CMD1KK). Identifiers: Orphanet 154, Orphanet 75249, MedGen C3714995, MONDO:0014100, OMIM 615248.

Allele frequency attached by ClinVar (database versions not stated): ExAC 0.00004; TOPMed 0.00004; gnomAD exomes 0.00006.
gnomAD v4.1: 112 of 1,614,044 alleles (0.0069%); highest among the groups gnomAD compares: Admixed American, 0.018%; no homozygotes.

Submissions (5):

Women's Health and Genetics/Laboratory Corporation of America, LabCorp
Classification: Likely benign. Last evaluated: 2025-11-14. Review status: criteria provided, single submitter. Criteria: LabCorp Variant Classification Summary - May 2015. Collection method: clinical testing. Allele origin: germline.

Labcorp Genetics (formerly Invitae), Labcorp
Classification: Likely benign for Dilated cardiomyopathy 1KK. Last evaluated: 2025-07-10. Review status: criteria provided, single submitter. Criteria: Invitae Variant Classification Sherloc (09022015). Collection method: clinical testing. Allele origin: germline.

GeneDx
Classification: Likely benign. Last evaluated: 2020-12-16. Review status: criteria provided, single submitter. Criteria: GeneDx Variant Classification Process June 2021. Collection method: clinical testing. Allele origin: germline. Affected: yes.

Ambry Genetics
Classification: Likely benign for Cardiovascular phenotype. Last evaluated: 2019-08-08. Review status: criteria provided, single submitter. Criteria: Ambry Variant Classification Scheme 2023. Collection method: clinical testing. Allele origin: germline.

PreventionGenetics, part of Exact Sciences
Classification: Likely benign for MYPN-related condition. Last evaluated: 2020-08-20. Review status: no assertion criteria provided. Collection method: clinical testing. Allele origin: germline. Not counted in ClinVar's aggregate classification.
Comment: This variant is classified as likely benign based on ACMG/AMP sequence variant interpretation guidelines (Richards et al. 2015 PMID: 25741868, with internal and published modifications).

NM_032578.4(MYPN):c.1851G>A (p.Val617=)

Gene: MYPN (myopalladin; plus strand). Cytogenetic location: 10q21.3.
Variant type: single nucleotide variant.
Coding change: c.1851G>A on transcript NM_032578.4 (MANE Select); coding-DNA position 1851, G replaced by A.
Protein change: p.Val617=; no amino-acid change (valine 617 retained).
Molecular consequence: synonymous variant. On other transcripts: non-coding transcript variant (2).
Genome position (GRCh38, 1-based): chr10:68,166,544, G>A. VCF-style: chr10-68166544-G-A. GRCh37 (hg19) VCF-style: chr10-69926301-G-A.
Other names: c.1851G>A, p.Val617= (NM_001256267.2); c.969G>A, p.Val323= (NM_001256268.2).
Identifiers: ClinVar variation 241708 (VCV000241708.17), dbSNP rs751087472, ClinGen allele CA5522669.